The following is an entry in ClinVar:

ClinVar aggregate classification (germline): Uncertain significance (1 of 4 stars; one submission).

Submission:

Labcorp Genetics (formerly Invitae), Labcorp
Classification: Uncertain significance. Last evaluated: 2025-03-20. Review status: criteria provided, single submitter. Criteria: Invitae Variant Classification Sherloc (09022015). Collection method: clinical testing. Allele origin: germline.
Comment: This sequence change replaces glutamic acid, which is acidic and polar, with lysine, which is basic and polar, at codon 824 of the VAV1 protein (p.Glu824Lys). This variant is not present in population databases (gnomAD no frequency). This variant has not been reported in the literature in individuals affected with VAV1-related conditions. An algorithm developed to predict the effect of missense changes on protein structure and function (PolyPhen-2) suggests that this variant is likely to be disruptive. In summary, the available evidence is currently insufficient to determine the role of this variant in disease. Therefore, it has been classified as a Variant of Uncertain Significance.

NM_005428.4(VAV1):c.2470G>A (p.Glu824Lys)

Gene: VAV1 (vav guanine nucleotide exchange factor 1; plus strand). Cytogenetic location: 19p13.3.
Variant type: single nucleotide variant.
Coding change: c.2470G>A on transcript NM_005428.4 (MANE Select); coding-DNA position 2470, G replaced by A.
Protein change: p.Glu824Lys; replaces glutamic acid 824 with lysine.
Molecular consequence: missense variant.
Genome position (GRCh38, 1-based): chr19:6,854,084, G>A. VCF-style: chr19-6854084-G-A. GRCh37 (hg19) VCF-style: chr19-6854095-G-A.
Other names: c.2404G>A, p.Glu802Lys (NM_001258206.2); c.2374G>A, p.Glu792Lys (NM_001258207.2); short protein forms E802K, E792K, E824K.
Identifiers: ClinVar variation 4715557 (VCV004715557.1).
Genomic context (GRCh38, chr19:6,854,084, plus strand): 5'-AAGGAGGGTGACATCATCAAGATCCTTAACAAGAAGGGACAGCAAGGCTGGTGGCGAGGG[G>A]AGATCTATGGCCGGGTGAGGCAGGCAGGGCTGGGTGACGGGGAGGGCATGGGGGTTGAGC-3'
Protein context (NP_005419.2, residues 814-834): KKGQQGWWRG[Glu824Lys]IYGRVGWFPA